The following is an entry in ClinVar:

ClinVar aggregate classification (germline): Uncertain significance (1 of 4 stars; one submission).

gnomAD v4.1: 1 of 1,614,192 alleles (0.000062%); highest among the groups gnomAD compares: Admixed American, 0.0017%; no homozygotes.

Submission:

GeneDx
Classification: Uncertain significance. Last evaluated: 2024-10-01. Review status: criteria provided, single submitter. Criteria: GeneDx Variant Classification Process June 2021. Collection method: clinical testing. Allele origin: germline. Affected: yes.
Comment: Not observed at significant frequency in large population cohorts (gnomAD); In silico analysis supports that this missense variant has a deleterious effect on protein structure/function; Has not been previously published as pathogenic or benign to our knowledge

NM_001042424.3(NSD2):c.686A>G (p.Lys229Arg)

Gene: NSD2 (nuclear receptor binding SET domain protein 2; plus strand). Cytogenetic location: 4p16.3.
Variant type: single nucleotide variant.
Coding change: c.686A>G on transcript NM_001042424.3 (MANE Select); coding-DNA position 686, A replaced by G.
Protein change: p.Lys229Arg; replaces lysine 229 with arginine.
Molecular consequence: missense variant.
Genome position (GRCh38, 1-based): chr4:1,904,304, A>G. VCF-style: chr4-1904304-A-G. GRCh37 (hg19) VCF-style: chr4-1906031-A-G.
Other names: c.686A>G, p.Lys229Arg (NM_007331.2, NM_133330.3, NM_133331.3 and 2 more transcripts); short protein forms K229R.
Identifiers: ClinVar variation 3776523 (VCV003776523.1).